The following is an entry in ClinVar:

ClinVar aggregate classification (germline): Uncertain significance (1 of 4 stars; one submission).

Conditions:
Hypertrophic cardiomyopathy 1 (CMH1). Also called: Familial hypertrophic cardiomyopathy 1; MYH7-Related Familial Hypertrophic Cardiomyopathy. Identifiers: MedGen C3495498, MONDO:0008647, OMIM 192600.

Allele frequency attached by ClinVar (database versions not stated): gnomAD exomes 0.00001.
gnomAD v4.1: 8 of 1,613,142 alleles (0.0005%); highest among the groups gnomAD compares: Non-Finnish European, 0.00068%; no homozygotes.

Submission:

Agnes Ginges Centre for Molecular Cardiology, Centenary Institute
Classification: Uncertain significance for Hypertrophic cardiomyopathy 1. Last evaluated: 2015-07-14. Review status: criteria provided, single submitter. Criteria: Agnes Ginges Centre for Molecular Cardiology criteria (2015). Collection method: research. Allele origin: germline. Inheritance: Autosomal dominant inheritance. Affected: yes.
Comment: The MYH6 Ser1414Phe variant has not been observed in the large Exome Aggregation Consortium dataset or previously reported in the literature. Serine (Ser) at position 1414 is conserved across distantly related species and, in silico tools (SIFT, MutationTaster, PolyPhen2) predict the impact of MYH6 Ser1414Phe to be causative of disease. No prediction is made by PolyPhen-HCM. Based on this one observation of MYH6 Ser1414Phe in our patient where no other disease-causing variant has been identified, we cannot completely exclude its role in disease pathogenesis. Therefore, we classify this variant as one of "uncertain significance".

NM_002471.4(MYH6):c.4241C>T (p.Ser1414Phe)

Gene: MYH6 (myosin heavy chain 6; minus strand). Cytogenetic location: 14q11.2.
Variant type: single nucleotide variant.
Coding change: c.4241C>T on transcript NM_002471.4 (MANE Select); coding-DNA position 4241, C replaced by T.
Protein change: p.Ser1414Phe; replaces serine 1414 with phenylalanine.
Molecular consequence: missense variant.
Genome position (GRCh38, 1-based): chr14:23,388,273, G>A on the plus strand (C>T on the coding strand, the complement: MYH6 is on the minus strand). VCF-style: chr14-23388273-G-A. GRCh37 (hg19) VCF-style: chr14-23857482-G-A.
Other names: short protein forms S1414F.
Identifiers: ClinVar variation 217830 (VCV000217830.2), dbSNP rs863225267, ClinGen allele CA279583.
Genomic context (GRCh38, chr14:23,388,273, plus strand): 5'-ACGTCCACCATCAAGTCCTCTATCTCATTCTGTAGCCGGTGCTTGGTCTTCTCCAGTGAG[G>A]AGCACTTGGCATTAACAGCCTCCACGGCCTCCTCGGCATCCTGCAGCCGCTGGGCCAGCT-3'
Protein context (NP_002462.2, residues 1404-1424): EAVEAVNAKC[Ser1414Phe]SLEKTKHRLQ